The following is an entry in ClinVar:

NM_001100.4(ACTA1):c.809-19_809-18insA

Gene: ACTA1 (actin alpha 1, skeletal muscle; minus strand). Cytogenetic location: 1q42.13.
Variant type: Insertion.
Coding change: c.809-19_809-18insA on transcript NM_001100.4 (MANE Select); 19 bases into the intron before coding-DNA position 809 through 18 bases into the intron before coding-DNA position 809, A inserted.
Molecular consequence: intron variant.
Genome position: GRCh38 VCF-style: chr1-229431920-G-GT. GRCh37 (hg19) VCF-style: chr1-229567667-G-GT.
Identifiers: ClinVar variation 931505 (VCV000931505.3), dbSNP rs1659946693, ClinGen allele CA1139656624.

ClinVar aggregate classification (germline): Uncertain significance (1 of 4 stars; one submission).

Conditions:
Progressive scapulohumeroperoneal distal myopathy. Also called: Myopathy, scapulohumeroperoneal. Identifiers: Orphanet 447977, MedGen C4225181, MONDO:0014800, OMIM 616852.

Allele frequency attached by ClinVar (database versions not stated): gnomAD exomes below 0.00001.

Submission:

Centre for Mendelian Genomics, University Medical Centre Ljubljana
Classification: Uncertain significance for Progressive scapulohumeroperoneal distal myopathy. Last evaluated: 2019-03-12. Review status: criteria provided, single submitter. Criteria: ACMG Guidelines, 2015. Collection method: clinical testing. Allele origin: unknown. Affected: yes.
Comment: This variant was classified as: Uncertain significance. The available evidence on this variant's pathogenicity is insufficient or conflicting. The following ACMG criteria were applied in classifying this variant: PM2.